The following is an entry in ClinVar:

NM_032043.3(BRIP1):c.2071A>C (p.Ile691Leu)

Gene: BRIP1 (BRCA1 interacting DNA helicase 1; minus strand). Cytogenetic location: 17q23.2.
Variant type: single nucleotide variant.
Coding change: c.2071A>C on transcript NM_032043.3 (MANE Select); coding-DNA position 2071, A replaced by C.
Protein change: p.Ile691Leu; replaces isoleucine 691 with leucine.
Molecular consequence: missense variant.
Genome position (GRCh38, 1-based): chr17:61,776,427, T>G on the plus strand (A>C on the coding strand, the complement: BRIP1 is on the minus strand). VCF-style: chr17-61776427-T-G. GRCh37 (hg19) VCF-style: chr17-59853788-T-G.
Other names: p.I691L:ATT>CTT; p.Ile691Leu; short protein forms I691L.
Identifiers: ClinVar variation 142280 (VCV000142280.41), dbSNP rs587782356, ClinGen allele CA294357.
Genomic context (GRCh38, chr17:61,776,427, plus strand): 5'-TTAAAGGCAAAAGAAACAATAAATATTCCCTTACCTTGTAAGATGGCAAGAAACACAAAA[T>G]TCCTTGGCTCACAGTCTGGCACACAGATAACAAAAGTGCTCCCACTTCATCTTGGAACTC-3'
Protein context (NP_114432.2, residues 681-701): LSVCQTVSQG[Ile691Leu]LCFLPSYKLL

ClinVar aggregate classification (germline): Uncertain significance. Review status: criteria provided, multiple submitters, no conflicts (2 of 4 stars). 12 submissions from 11 submitters: Uncertain significance (10). 2 of the submissions do not count toward it. Last evaluated 2026-01-28.

Conditions:
Hereditary cancer-predisposing syndrome. Also called: Neoplastic Syndromes, Hereditary; Hereditary Cancer Syndrome; Hereditary neoplastic syndrome; Tumor predisposition. Identifiers: Orphanet 140162, MedGen C0027672, MeSH D009386, MONDO:0015356.
Familial cancer of breast. Also called: Hereditary breast cancer; hereditary breast carcinoma; BREAST CANCER, FAMILIAL. Identifiers: Orphanet 227535, MedGen C0346153, MONDO:0016419, OMIM 114480. Disease mechanism: loss of function.
Fanconi anemia complementation group J. Also called: BRIP1-Related Fanconi Anemia. Identifiers: Orphanet 84, MedGen C1836860, MONDO:0012187, OMIM 609054.
Ovarian cancer. Also called: OVARIAN CANCER, SOMATIC. Identifiers: Orphanet 213500, MedGen C1140680, MONDO:0008170, OMIM 167000.

Allele frequency attached by ClinVar (database versions not stated): gnomAD 0.00001; gnomAD exomes 0.00001 and 0.00002; TOPMed 0.00001.
gnomAD v4.1: 20 of 1,613,980 alleles (0.0012%); highest among the groups gnomAD compares: Non-Finnish European, 0.0016%; no homozygotes.

Submissions (12):

Labcorp Genetics (formerly Invitae), Labcorp
Classification: Uncertain significance for Familial cancer of breast; Fanconi anemia complementation group J. Last evaluated: 2026-01-28. Review status: criteria provided, single submitter. Criteria: Invitae Variant Classification Sherloc (09022015). Collection method: clinical testing. Allele origin: germline.
Comment: This sequence change replaces isoleucine, which is neutral and non-polar, with leucine, which is neutral and non-polar, at codon 691 of the BRIP1 protein (p.Ile691Leu). This variant is present in population databases (rs587782356, gnomAD 0.004%). This missense change has been observed in individual(s) with breast and/or ovarian cancer (PMID: 26921362, 26976419, 31822495). ClinVar contains an entry for this variant (Variation ID: 142280). Invitae Evidence Modeling of protein sequence and biophysical properties (such as structural, functional, and spatial information, amino acid conservation, physicochemical variation, residue mobility, and thermodynamic stability) indicates that this missense variant is not expected to disrupt BRIP1 protein function with a negative predictive value of 95%. Experimental studies have shown that this missense change affects BRIP1 function (PMID: 31822495). In summary, the available evidence is currently insufficient to determine the role of this variant in disease. Therefore, it has been classified as a Variant of Uncertain Significance.

GeneDx
Classification: Uncertain significance. Last evaluated: 2025-08-19. Review status: criteria provided, single submitter. Criteria: GeneDx Variant Classification Process June 2021. Collection method: clinical testing. Allele origin: germline. Affected: yes.
Comment: Published functional studies demonstrate the ability to partially repair interstrand crosslinks possibly resulting in a hypomorphic allele (PMID: 31822495); Observed in individuals with breast and/or ovarian cancer but also in healthy controls (PMID: 26921362, 31822495, 26315354, 26976419); In silico analysis suggests that this missense variant does not alter protein structure/function; Not observed at significant frequency in large population cohorts (gnomAD); This variant is associated with the following publications: (PMID: 26976419, 26315354, 26921362, 31822495, 11301010)

Ambry Genetics
Classification: Uncertain significance for Hereditary cancer-predisposing syndrome. Last evaluated: 2025-02-19. Review status: criteria provided, single submitter. Criteria: Ambry Variant Classification Scheme 2023. Collection method: clinical testing. Allele origin: germline.
Comment: The p.I691L variant (also known as c.2071A>C), located in coding exon 13 of the BRIP1 gene, results from an A to C substitution at nucleotide position 2071. The isoleucine at codon 691 is replaced by leucine, an amino acid with highly similar properties. This variant has been identified individuals with breast and ovarian cancer as well as unaffected controls (Tung N et al. J. Clin. Oncol. 2016 May;34(13):1460-8; Easton DF et al. J. Med. Genet., 2016 05;53:298-309; Moyer CL et al. Cancer Res. 2020 Feb;80:857-867; Ramus SJ et al. J. Natl. Cancer Inst. 2015 Nov;107(11)). Based on results from an inter-strand cross link damage survival assay, this variant was characterized as hypomorphic by one group (Moyer CL et al. Cancer Res. 2020 Feb;80:857-867). This amino acid position is well conserved in available vertebrate species. In addition, the in silico prediction for this alteration is inconclusive. Based on the available evidence, the clinical significance of this variant remains unclear.

Baylor Genetics
Classification: Uncertain significance for Familial cancer of breast. Last evaluated: 2024-03-21. Review status: criteria provided, single submitter. Criteria: ACMG Guidelines, 2015. Collection method: clinical testing. Allele origin: unknown.

Color Diagnostics, LLC DBA Color Health
Classification: Uncertain significance for Hereditary cancer-predisposing syndrome. Last evaluated: 2023-08-29. Review status: criteria provided, single submitter. Criteria: ACMG Guidelines, 2015. Collection method: clinical testing. Allele origin: germline.
Comment: This missense variant replaces isoleucine with leucine at codon 691 in the helicase domain of the BRIP1 protein. Computational prediction suggests that this variant may not impact protein structure and function (internally defined REVEL score threshold <= 0.5, PMID: 27666373). A functional study has reported that this variant does not impact BRIP1 function in a sensitivity assay to mitomycin C and it does decrease protein stability (PMID: 31822495). This variant has been observed in over 10 individuals affected with breast and/or ovarian cancer (PMID: 26921362, 26976419, 31822495) and in one unaffected individuals from an ovarian cancer case-control study (PMID: 26315354). This variant has also been identified in 6/251368 chromosomes in the general population by the Genome Aggregation Database (gnomAD). The available evidence is insufficient to determine the role of this variant in disease conclusively. Therefore, this variant is classified as a Variant of Uncertain Significance.

Quest Diagnostics Nichols Institute San Juan Capistrano
Classification: Uncertain significance. Last evaluated: 2023-06-06. Review status: criteria provided, single submitter. Criteria: Quest Diagnostics criteria. Collection method: clinical testing. Allele origin: unknown.
Comment: In the published literature, this variant has been reported in individuals with breast cancer (PMID: 26921362 (2016), 26976419 (2016), 31822495 (2020)), ovarian cancer (PMID: 31822495 (2020)) as well as in unaffected individuals (PMID: 26315354 (2015)). Published functional studies show that this variant leads to reduced protein stability and partial loss of protein function (PMID: 31822495 (2020)). The frequency of this variant in the general population, 0.000035 (4/113678 chromosomes (Genome Aggregation Database)), is uninformative in the assessment of its pathogenicity. Analysis of this variant using bioinformatics tools for the prediction of the effect of amino acid changes on protein structure and function yielded predictions that this variant is damaging. Based on the available information, we are unable to determine the clinical significance of this variant.

Myriad Genetics, Inc.
Classification: Uncertain significance for Familial cancer of breast. Last evaluated: 2023-03-01. Review status: criteria provided, single submitter. Criteria: Myriad Autosomal Dominant, Autosomal Recessive and X-Linked Classification Criteria (2023). Collection method: clinical testing. Allele origin: unknown.
Comment: This variant is classified as a variant of uncertain significance as there is insufficient evidence to determine its impact on protein function and/or cancer risk.

Mayo Clinic Laboratories, Mayo Clinic
Classification: Uncertain significance. Last evaluated: 2023-02-08. Review status: criteria provided, single submitter. Criteria: ACMG Guidelines, 2015. Collection method: clinical testing. Allele origin: germline. Observed: 1 variant allele.
Comment: PS3_supporting

Sema4
Classification: Uncertain significance for Hereditary cancer-predisposing syndrome. Last evaluated: 2022-03-09. Review status: criteria provided, single submitter. Criteria: Sema4 Curation Guidelines. Collection method: curation. Allele origin: germline.
Comment: The BRIP1 c.2071A>C (p.I691L) variant has been reported in heterozygosity in numerous individuals with hereditary breast and/or ovarian cancer, including one individual who carried an additional potentially pathogenic variant in the BRIP1 (PMID: 31822495, 26976419, 26921362). This variant has also been identified in individuals without a personal history of breast or ovarian cancer (PMID: 26315354). It was observed in 4/113678 chromosomes in the Non-Finnish European subpopulation in the large and broad cohorts of the Genome Aggregation Database (PMID: 32461654). The variant has been reported in ClinVar (Variation ID: 142280). Functional studies have shown that this variant affects BIP1 protein function (PMID: 31822495), however in silico predictions of the variant's effect on protein function are inconclusive. The evidence is insufficient to meet ACMG/AMP criteria for classifying the variant as benign or pathogenic. Thus, the clinical significance of this variant is currently uncertain.

Genetic Services Laboratory, University of Chicago
Classification: Uncertain significance. Last evaluated: 2018-12-14. Review status: criteria provided, single submitter. Criteria: ACMG Guidelines, 2015. Collection method: clinical testing. Allele origin: germline. Affected: no.

Counsyl
Classification: Uncertain significance for Fanconi anemia complementation group J. Last evaluated: 2016-11-03. Review status: no assertion criteria provided. Collection method: clinical testing. Allele origin: unknown. Not counted in ClinVar's aggregate classification.

Counsyl
Classification: Uncertain significance for Ovarian cancer. Last evaluated: 2016-11-03. Review status: no assertion criteria provided. Collection method: clinical testing. Allele origin: unknown. Not counted in ClinVar's aggregate classification.

Literature cited by the submitters: PubMed 26921362 (cited by 7 submitters); PubMed 26976419 (cited by 7 submitters); PubMed 31822495 (cited by 6 submitters); PubMed 26315354 (cited by 6 submitters).